The following is an entry in ClinVar:

NM_001205293.3(CACNA1E):c.3170C>G (p.Thr1057Arg)

Gene: CACNA1E (calcium voltage-gated channel subunit alpha1 E; plus strand). Cytogenetic location: 1q25.3.
Variant type: single nucleotide variant.
Coding change: c.3170C>G on transcript NM_001205293.3 (MANE Select); coding-DNA position 3170, C replaced by G.
Protein change: p.Thr1057Arg; replaces threonine 1057 with arginine.
Molecular consequence: missense variant.
Genome position (GRCh38, 1-based): chr1:181,733,658, C>G. VCF-style: chr1-181733658-C-G. GRCh37 (hg19) VCF-style: chr1-181702794-C-G.
Other names: c.3170C>G, p.Thr1057Arg (NM_000721.4); c.3113C>G, p.Thr1038Arg (NM_001205294.2); short protein forms T1038R, T1057R.
Identifiers: ClinVar variation 4799993 (VCV004799993.1).

ClinVar aggregate classification (germline): Uncertain significance (1 of 4 stars; one submission).

Submission:

Labcorp Genetics (formerly Invitae), Labcorp
Classification: Uncertain significance. Last evaluated: 2025-11-17. Review status: criteria provided, single submitter. Criteria: Invitae Variant Classification Sherloc (09022015). Collection method: clinical testing. Allele origin: germline.
Comment: This sequence change replaces threonine, which is neutral and polar, with arginine, which is basic and polar, at codon 1057 of the CACNA1E protein (p.Thr1057Arg). This variant is not present in population databases (gnomAD no frequency). This variant has not been reported in the literature in individuals affected with CACNA1E-related conditions. Invitae Evidence Modeling of protein sequence and biophysical properties (such as structural, functional, and spatial information, amino acid conservation, physicochemical variation, residue mobility, and thermodynamic stability) has been performed for this missense variant. However, the output from this modeling did not meet the statistical confidence thresholds required to predict the impact of this variant on CACNA1E protein function. In summary, the available evidence is currently insufficient to determine the role of this variant in disease. Therefore, it has been classified as a Variant of Uncertain Significance.